The following is an entry in ClinVar:

NM_018248.3(NEIL3):c.45C>A (p.Arg15=)

Genes: NEIL3 (nei like DNA glycosylase 3; plus strand), LOC129993410 (ATAC-STARR-seq lymphoblastoid active region 22169; plus strand). Cytogenetic location: 4q34.3.
Variant type: single nucleotide variant.
Coding change: c.45C>A on transcript NM_018248.3 (MANE Select); coding-DNA position 45, C replaced by A.
Protein change: p.Arg15=; no amino-acid change (arginine 15 retained).
Molecular consequence: synonymous variant.
Genome position (GRCh38, 1-based): chr4:177,309,998, C>A. VCF-style: chr4-177309998-C-A. GRCh37 (hg19) VCF-style: chr4-178231152-C-A.
Identifiers: ClinVar variation 2688445 (VCV002688445.2), dbSNP rs10013040, ClinGen allele CA3146100.
Genomic context (GRCh38, chr4:177,309,998, plus strand): 5'-AGTGCCGGCCACAGAGATGGTGGAAGGACCAGGCTGTACTCTGAATGGAGAGAAGATTCG[C>A]GCGCGGGTGCTCCCGGGCCAGGCGGTGACCGGCGTGCGGGGAAGCGCTCTGCGGAGTCTG-3'
Protein context (NP_060718.3, residues 5-25): PGCTLNGEKI[Arg15=]ARVLPGQAVT

ClinVar aggregate classification (germline): Benign (1 of 4 stars; one submission).

Allele frequency attached by ClinVar (database versions not stated): 1000 Genomes Project 30x 0.16755; 1000 Genomes Project 0.16933; TOPMed 0.19213; gnomAD 0.19582; ESP Exome Variant Server 0.19817; ExAC 0.20496.
gnomAD v4.1: 348,357 of 1,609,634 alleles (22%); highest among the groups gnomAD compares: Middle Eastern, 29%; 38,459 homozygotes.

Submission:

Unidad de Genómica Garrahan, Hospital de Pediatría Garrahan
Classification: Benign. Last evaluated: 2024-01-24. Review status: criteria provided, single submitter. Criteria: ACMG Guidelines, 2015. Collection method: clinical testing. Allele origin: germline. Affected: no. Observed: 33 variant alleles.
Comment: This variant is classified as Benign based on local population frequency. This variant was detected in 38% of patients studied by a panel of primary immunodeficiencies. Number of patients: 33. Only high quality variants are reported.